The following is an entry in ClinVar:

NM_017637.6(BNC2):c.349G>A (p.Val117Ile)

Gene: BNC2 (basonuclin zinc finger protein 2; minus strand). Cytogenetic location: 9p22.3.
Variant type: single nucleotide variant.
Coding change: c.349G>A on transcript NM_017637.6 (MANE Select); coding-DNA position 349, G replaced by A.
Protein change: p.Val117Ile; replaces valine 117 with isoleucine.
Molecular consequence: missense variant.
Genome position (GRCh38, 1-based): chr9:16,583,067, C>T on the plus strand (G>A on the coding strand, the complement: BNC2 is on the minus strand). VCF-style: chr9-16583067-C-T. GRCh37 (hg19) VCF-style: chr9-16583065-C-T.
Other names: c.223G>A, p.Val75Ile (NM_001317939.2); c.64G>A, p.Val22Ile (NM_001317940.2); short protein forms V117I, V22I, V75I.
Identifiers: ClinVar variation 4807090 (VCV004807090.1).

ClinVar aggregate classification (germline): Uncertain significance (1 of 4 stars; one submission).

gnomAD v4.1: 6 of 1,613,882 alleles (0.00037%); highest among the groups gnomAD compares: South Asian, 0.0055%; no homozygotes.

Submission:

Labcorp Genetics (formerly Invitae), Labcorp
Classification: Uncertain significance. Last evaluated: 2026-01-26. Review status: criteria provided, single submitter. Criteria: Invitae Variant Classification Sherloc (09022015). Collection method: clinical testing. Allele origin: germline.
Comment: This sequence change replaces valine, which is neutral and non-polar, with isoleucine, which is neutral and non-polar, at codon 117 of the BNC2 protein (p.Val117Ile). This variant is not present in population databases (gnomAD no frequency). This variant has not been reported in the literature in individuals affected with BNC2-related conditions. An algorithm developed to predict the effect of missense changes on protein structure and function (PolyPhen-2) suggests that this variant is likely to be disruptive. In summary, the available evidence is currently insufficient to determine the role of this variant in disease. Therefore, it has been classified as a Variant of Uncertain Significance.